The following is an entry in ClinVar:

ClinVar aggregate classification (germline): Uncertain significance (1 of 4 stars; one submission).

gnomAD v4.1: 2 of 1,613,812 alleles (0.00012%); highest among the groups gnomAD compares: Admixed American, 0.0017%; no homozygotes.

Submission:

GeneDx
Classification: Uncertain significance. Last evaluated: 2024-04-03. Review status: criteria provided, single submitter. Criteria: GeneDx Variant Classification Process June 2021. Collection method: clinical testing. Allele origin: germline. Affected: yes.
Comment: Not observed at significant frequency in large population cohorts (gnomAD); In silico analysis supports that this missense variant does not alter protein structure/function; Has not been previously published as pathogenic or benign to our knowledge

NM_001130823.3(DNMT1):c.4495A>G (p.Lys1499Glu)

Genes: DNMT1 (DNA methyltransferase 1; minus strand), LOC126862853 (CDK7 strongly-dependent group 2 enhancer GRCh37_chr19:10246117-10247316; plus strand). Cytogenetic location: 19p13.2.
Variant type: single nucleotide variant.
Coding change: c.4495A>G on transcript NM_001130823.3 (MANE Select); coding-DNA position 4495, A replaced by G.
Protein change: p.Lys1499Glu; replaces lysine 1499 with glutamic acid.
Molecular consequence: missense variant.
Genome position (GRCh38, 1-based): chr19:10,136,282, T>C on the plus strand (A>G on the coding strand, the complement: DNMT1 is on the minus strand). VCF-style: chr19-10136282-T-C. GRCh37 (hg19) VCF-style: chr19-10246958-T-C.
Other names: c.4456A>G, p.Lys1486Glu (NM_001318730.2); c.4132A>G, p.Lys1378Glu (NM_001318731.2); c.4447A>G, p.Lys1483Glu (NM_001379.4); short protein forms K1378E, K1483E, K1486E, K1499E.
Identifiers: ClinVar variation 3371541 (VCV003371541.1).